The following is an entry in ClinVar:

NM_000219.6(KCNE1):c.212T>A (p.Leu71Gln)

Gene: KCNE1 (potassium voltage-gated channel subfamily E regulatory subunit 1; minus strand). Cytogenetic location: 21q22.12.
Variant type: single nucleotide variant.
Coding change: c.212T>A on transcript NM_000219.6 (MANE Select); coding-DNA position 212, T replaced by A.
Protein change: p.Leu71Gln; replaces leucine 71 with glutamine.
Molecular consequence: missense variant.
Genome position (GRCh38, 1-based): chr21:34,449,423, A>T on the plus strand (T>A on the coding strand, the complement: KCNE1 is on the minus strand). VCF-style: chr21-34449423-A-T. GRCh37 (hg19) VCF-style: chr21-35821721-A-T.
Other names: c.212T>A, p.Leu71Gln (NM_001127668.4, NM_001127669.4, NM_001127670.4 and 4 more transcripts); short protein forms L71Q.
Identifiers: ClinVar variation 3374340 (VCV003374340.2).
Genomic context (GRCh38, chr21:34,449,423, plus strand): 5'-TCCTTCTCTTGCCAGGCATCGGACTCGATGTAGACGTTGAATGGGTCGTTCGAGTGCTCC[A>T]GCTTCTTGGAGCGGATGTAGCTCAGCATGATGCCCAGGGTGAAGAAGCCGAAGAATCCCA-3'
Protein context (NP_000210.2, residues 61-81): IMLSYIRSKK[Leu71Gln]EHSNDPFNVY

Conditions:
Long QT syndrome 5 (LQT5). Identifiers: Orphanet 101016, Orphanet 768, MedGen C1867904, MONDO:0013372, OMIM 613695.

Submission:

Roden Lab, Vanderbilt University Medical Center
No classification provided (evidence only). Condition: Long QT syndrome 5. Review status: no classification provided. Collection method: in vitro. Allele origin: not applicable. Functional consequence: Effect on ion channel function.
ClinVar note: "not provided" was previously submitted as the classification for the variant. However, the classification appeared to be based only on an observation of functional data so it was converted to no classification on 2025-07-30.